The following is an entry in ClinVar:

ClinVar aggregate classification (germline): Uncertain significance (1 of 4 stars; one submission).

Conditions:
Intellectual developmental disorder, autosomal dominant 1. Also called: MBD5 Haploinsufficiency; Intellectual disability, autosomal dominant 1. Identifiers: Orphanet 228402, MedGen C1969562, MONDO:0007974, OMIM 156200.

Submission:

Labcorp Genetics (formerly Invitae), Labcorp
Classification: Uncertain significance for Intellectual developmental disorder, autosomal dominant 1. Last evaluated: 2025-04-11. Review status: criteria provided, single submitter. Criteria: Invitae Variant Classification Sherloc (09022015). Collection method: clinical testing. Allele origin: germline.
Comment: This sequence change replaces alanine, which is neutral and non-polar, with valine, which is neutral and non-polar, at codon 1005 of the MBD5 protein (p.Ala1005Val). This variant is not present in population databases (gnomAD no frequency). This variant has not been reported in the literature in individuals affected with MBD5-related conditions. Invitae Evidence Modeling of protein sequence and biophysical properties (such as structural, functional, and spatial information, amino acid conservation, physicochemical variation, residue mobility, and thermodynamic stability) indicates that this missense variant is not expected to disrupt MBD5 protein function with a negative predictive value of 80%. In summary, the available evidence is currently insufficient to determine the role of this variant in disease. Therefore, it has been classified as a Variant of Uncertain Significance.

NM_001378120.1(MBD5):c.3713C>T (p.Ala1238Val)

Gene: MBD5 (methyl-CpG binding domain protein 5; plus strand). Cytogenetic location: 2q23.1.
Variant type: single nucleotide variant.
Coding change: c.3713C>T on transcript NM_001378120.1 (MANE Select); coding-DNA position 3713, C replaced by T.
Protein change: p.Ala1238Val; replaces alanine 1238 with valine.
Molecular consequence: missense variant.
Genome position (GRCh38, 1-based): chr2:148,485,910, C>T. VCF-style: chr2-148485910-C-T. GRCh37 (hg19) VCF-style: chr2-149243479-C-T.
Other names: c.3713C>T, p.Ala1238Val (NM_001438854.1, NM_001438856.1, NM_001438857.1 and 1 more transcripts); c.3014C>T, p.Ala1005Val (NM_001438855.1, NM_001438859.1, NM_001438860.1 and 3 more transcripts); short protein forms A1238V, A1005V.
Identifiers: ClinVar variation 4741393 (VCV004741393.1).